The following is an entry in ClinVar:

NM_005026.5(PIK3CD):c.1735G>A (p.Ala579Thr)

Gene: PIK3CD (phosphatidylinositol-4,5-bisphosphate 3-kinase catalytic subunit delta; plus strand). Cytogenetic location: 1p36.22.
Variant type: single nucleotide variant.
Coding change: c.1735G>A on transcript NM_005026.5 (MANE Select); coding-DNA position 1735, G replaced by A.
Protein change: p.Ala579Thr; replaces alanine 579 with threonine.
Molecular consequence: missense variant.
Genome position (GRCh38, 1-based): chr1:9,721,172, G>A. VCF-style: chr1-9721172-G-A. GRCh37 (hg19) VCF-style: chr1-9781230-G-A.
Other names: c.1732G>A, p.Ala578Thr (NM_001350234.2, NM_001439206.1); c.1648G>A, p.Ala550Thr (NM_001350235.1); c.1735G>A, p.Ala579Thr (NM_001437546.1, NM_001437547.1, NM_001438338.1); short protein forms A579T, A550T, A578T.
Identifiers: ClinVar variation 4780115 (VCV004780115.1).

ClinVar aggregate classification (germline): Uncertain significance (1 of 4 stars; one submission).

Conditions:
Immunodeficiency 14 (IMD14A). Also called: p110-DELTA-ACTIVATING MUTATION CAUSING SENESCENT T CELLS, LYMPHADENOPATHY, AND IMMUNODEFICIENCY; ACTIVATED PI3K-DELTA SYNDROME 1; Activated PI3K Delta Syndrome Type 1 (APDS1); IMMUNODEFICIENCY 14A WITH LYMPHOPROLIFERATION, AUTOSOMAL DOMINANT. Identifiers: Orphanet 397596, Orphanet 693661, MedGen C5907821, MONDO:0014222, OMIM 615513.

gnomAD v4.1: 11 of 1,612,994 alleles (0.00068%); highest among the groups gnomAD compares: African/African-American, 0.0053%; no homozygotes.

Submission:

Labcorp Genetics (formerly Invitae), Labcorp
Classification: Uncertain significance for Activated PI3K-delta syndrome. Last evaluated: 2026-01-25. Review status: criteria provided, single submitter. Criteria: Invitae Variant Classification Sherloc (09022015). Collection method: clinical testing. Allele origin: germline.
Comment: This sequence change replaces alanine, which is neutral and non-polar, with threonine, which is neutral and polar, at codon 579 of the PIK3CD protein (p.Ala579Thr). This variant is present in population databases (no rsID available, gnomAD 0.01%). This variant has not been reported in the literature in individuals affected with PIK3CD-related conditions. Invitae Evidence Modeling of protein sequence and biophysical properties (such as structural, functional, and spatial information, amino acid conservation, physicochemical variation, residue mobility, and thermodynamic stability) indicates that this missense variant is expected to disrupt PIK3CD protein function with a positive predictive value of 80%. In summary, the available evidence is currently insufficient to determine the role of this variant in disease. Therefore, it has been classified as a Variant of Uncertain Significance.